The following is an entry in ClinVar:

ClinVar aggregate classification (germline): Benign/Likely benign. Review status: criteria provided, multiple submitters, no conflicts (2 of 4 stars). 5 submissions from 5 submitters: Benign (1); Likely benign (2). 2 of the submissions do not count toward it. Last evaluated 2026-05-01.

Allele frequency attached by ClinVar (database versions not stated): ESP Exome Variant Server 0.00046.
gnomAD v4.1: 518 of 1,614,056 alleles (0.032%); highest among the groups gnomAD compares: Admixed American, 0.17%; 1 homozygote.

Submissions (5):

CeGaT Center for Human Genetics Tuebingen
Classification: Likely benign. Last evaluated: 2026-05-01. Review status: criteria provided, single submitter. Criteria: CeGaT Center For Human Genetics Tuebingen Variant Classification Criteria Version 2. Collection method: clinical testing. Allele origin: germline. Affected: yes. Observed: 1 variant allele.
Comment: CSF1R: BP4, BP7

Labcorp Genetics (formerly Invitae), Labcorp
Classification: Benign. Last evaluated: 2025-08-28. Review status: criteria provided, single submitter. Criteria: Invitae Variant Classification Sherloc (09022015). Collection method: clinical testing. Allele origin: germline.

Blueprint Genetics
Classification: Likely benign. Last evaluated: 2024-10-18. Review status: criteria provided, single submitter. Criteria: ACMG Guidelines, 2015. Collection method: clinical testing. Allele origin: germline.

Clinical Genetics DNA and cytogenetics Diagnostics Lab, Erasmus MC, Erasmus Medical Center
Classification: Likely benign. Review status: no assertion criteria provided. Collection method: clinical testing. Allele origin: germline. Affected: yes. Study: VKGL Data-share Consensus. Not counted in ClinVar's aggregate classification.

Genome Diagnostics Laboratory, Amsterdam University Medical Center
Classification: Likely benign. Review status: no assertion criteria provided. Collection method: clinical testing. Allele origin: germline. Affected: yes. Study: VKGL Data-share Consensus. Not counted in ClinVar's aggregate classification.

NM_001288705.3(CSF1R):c.93C>T (p.Val31=)

Gene: CSF1R (colony stimulating factor 1 receptor; minus strand). Cytogenetic location: 5q32.
Variant type: single nucleotide variant.
Coding change: c.93C>T on transcript NM_001288705.3 (MANE Select); coding-DNA position 93, C replaced by T.
Protein change: p.Val31=; no amino-acid change (valine 31 retained).
Molecular consequence: synonymous variant. On other transcripts: 5 prime UTR variant (1), non-coding transcript variant (2).
Genome position (GRCh38, 1-based): chr5:150,080,981, G>A on the plus strand (C>T on the coding strand, the complement: CSF1R is on the minus strand). VCF-style: chr5-150080981-G-A. GRCh37 (hg19) VCF-style: chr5-149460544-G-A.
Other names: c.93C>T, p.Val31= (NM_001349736.2, NM_001375320.1, NM_005211.4); c.-352C>T (NM_001375321.1).
Identifiers: ClinVar variation 1166659 (VCV001166659.14), dbSNP rs41424646, ClinGen allele CA3507283.
Genomic context (GRCh38, chr5:150,080,981, plus strand): 5'-ATCCCATTCCACGCTGCCATTGCCCACACATCGCAAGGTCACCGTTGCTCCTGGCTTCAC[G>A]ACCAGCTCAGGGACACTGGGCTCTATCACTGGGATTCCCTGACCTGGTGGGAGAGAGGGA-3'
Protein context (NP_001275634.1, residues 21-41): PVIEPSVPEL[Val31=]VKPGATVTLR